The following is an entry in ClinVar:

NM_001793.6(CDH3):c.909G>T (p.Met303Ile)

Gene: CDH3 (cadherin 3; plus strand). Cytogenetic location: 16q22.1.
Variant type: single nucleotide variant.
Coding change: c.909G>T on transcript NM_001793.6 (MANE Select); coding-DNA position 909, G replaced by T.
Protein change: p.Met303Ile; replaces methionine 303 with isoleucine.
Molecular consequence: missense variant.
Genome position (GRCh38, 1-based): chr16:68,681,009, G>T. VCF-style: chr16-68681009-G-T. GRCh37 (hg19) VCF-style: chr16-68714912-G-T.
Other names: c.909G>T, p.Met303Ile (NM_001317195.3); c.744G>T, p.Met248Ile (NM_001317196.2); c.909G>T (NM_001793.5); short protein forms M248I, M303I.
Identifiers: ClinVar variation 884779 (VCV000884779.28), dbSNP rs148535251, ClinGen allele CA8129187.
Genomic context (GRCh38, chr16:68,681,009, plus strand): 5'-CCCTCTCCTTTCTCCCCAGAAAGTCCCTGAGTACACACTGACCATCCAGGCCACAGACAT[G>T]GATGGGGACGGCTCCACCACCACGGCAGTGGCAGTAGTGGAGATCCTTGATGCCAATGAC-3'
Protein context (NP_001784.2, residues 293-313): EYTLTIQATD[Met303Ile]DGDGSTTTAV

ClinVar aggregate classification (germline): Conflicting classifications of pathogenicity. Review status: criteria provided, conflicting classifications (1 of 4 stars). 5 submissions from 5 submitters: Uncertain significance (1); Benign (1); Likely benign (2). 1 of the submissions does not count toward it. Last evaluated 2026-09-01.

Conditions:
CDH3-related disorder. Also called: CDH3-related condition.
EEM syndrome (EEMS). Identifiers: Orphanet 1897, MedGen C1857041, MONDO:0009155, OMIM 225280.

Allele frequency attached by ClinVar (database versions not stated): gnomAD 0.00061 and 0.00066; TOPMed 0.00074; ESP Exome Variant Server 0.00077; ExAC 0.00104; gnomAD exomes 0.00107; 1000 Genomes Project 30x 0.00047; 1000 Genomes Project 0.00060.

Submissions (5):

CeGaT Center for Human Genetics Tuebingen
Classification: Likely benign. Last evaluated: 2026-09-01. Review status: criteria provided, single submitter. Criteria: CeGaT Center For Human Genetics Tuebingen Variant Classification Criteria Version 2. Collection method: clinical testing. Allele origin: germline. Affected: yes. Observed: 3 variant alleles.
Comment: CDH3: BP4, BS2

Labcorp Genetics (formerly Invitae), Labcorp
Classification: Benign. Last evaluated: 2026-01-14. Review status: criteria provided, single submitter. Criteria: Invitae Variant Classification Sherloc (09022015). Collection method: clinical testing. Allele origin: germline.

Blueprint Genetics
Classification: Likely benign. Last evaluated: 2024-11-21. Review status: criteria provided, single submitter. Criteria: ACMG Guidelines, 2015. Collection method: clinical testing. Allele origin: germline.

Illumina Laboratory Services, Illumina
Classification: Uncertain significance for EEM syndrome. Last evaluated: 2018-01-12. Review status: criteria provided, single submitter. Criteria: ICSL Variant Classification Criteria 13 December 2019. Collection method: clinical testing. Allele origin: germline.

PreventionGenetics, part of Exact Sciences
Classification: Likely benign for CDH3-related condition. Last evaluated: 2020-01-31. Review status: no assertion criteria provided. Collection method: clinical testing. Allele origin: germline. Not counted in ClinVar's aggregate classification.
Comment: This variant is classified as likely benign based on ACMG/AMP sequence variant interpretation guidelines (Richards et al. 2015 PMID: 25741868, with internal and published modifications).